The following is an entry in ClinVar:

ClinVar aggregate classification (germline): Uncertain significance. Review status: criteria provided, multiple submitters, no conflicts (2 of 4 stars). 3 submissions from 3 submitters: Uncertain significance (3). Last evaluated 2025-06-30.

Conditions:
Inborn genetic diseases. Identifiers: MedGen C0950123, MeSH D030342.
Optic atrophy 3 (OPA3). Also called: OPTIC ATROPHY 3, AUTOSOMAL DOMINANT; Optic atrophy, cataract, and neurologic disorder; Optic atrophy 3 with cataract. Identifiers: Orphanet 67036, MedGen C1833809, MONDO:0008133, OMIM 165300.
3-Methylglutaconic aciduria type 3 (MGCA3). Also called: Costeff Syndrome; OPA3, AUTOSOMAL RECESSIVE; OPTIC ATROPHY 3, AUTOSOMAL RECESSIVE; OPA3-Related 3-Methylglutaconic Aciduria. Identifiers: Orphanet 67047, MedGen C0574084, MONDO:0009787, OMIM 258501.

Allele frequency attached by ClinVar (database versions not stated): gnomAD exomes below 0.00001 and 0.00001; ExAC 0.00001; TOPMed 0.00002; gnomAD 0.00003.
gnomAD v4.1: 18 of 1,613,208 alleles (0.0011%); highest among the groups gnomAD compares: African/African-American, 0.0053%; no homozygotes.

Submissions (3):

Ambry Genetics
Classification: Uncertain significance for Inborn genetic diseases. Last evaluated: 2025-06-30. Review status: criteria provided, single submitter. Criteria: Ambry Variant Classification Scheme 2023. Collection method: clinical testing. Allele origin: germline.

Labcorp Genetics (formerly Invitae), Labcorp
Classification: Uncertain significance for 3-Methylglutaconic aciduria type 3; Optic atrophy 3. Last evaluated: 2025-01-12. Review status: criteria provided, single submitter. Criteria: Invitae Variant Classification Sherloc (09022015). Collection method: clinical testing. Allele origin: germline.
Comment: This sequence change replaces alanine, which is neutral and non-polar, with threonine, which is neutral and polar, at codon 176 of the OPA3 protein (p.Ala176Thr). This variant is present in population databases (rs755841329, gnomAD 0.009%). This variant has not been reported in the literature in individuals affected with OPA3-related conditions. ClinVar contains an entry for this variant (Variation ID: 1356040). An algorithm developed to predict the effect of missense changes on protein structure and function (PolyPhen-2) suggests that this variant is likely to be tolerated. In summary, the available evidence is currently insufficient to determine the role of this variant in disease. Therefore, it has been classified as a Variant of Uncertain Significance.

Blueprint Genetics
Classification: Uncertain significance. Last evaluated: 2019-01-16. Review status: criteria provided, single submitter. Criteria: ACMG Guidelines, 2015. Collection method: clinical testing. Allele origin: germline.

NM_025136.4(OPA3):c.526G>A (p.Ala176Thr)

Genes: OPA3 (outer mitochondrial membrane lipid metabolism regulator OPA3; minus strand), OPA3-RTN2 (OPA3-RTN2 readthrough; minus strand). Cytogenetic location: 19q13.32.
Variant type: single nucleotide variant.
Coding change: c.526G>A on transcript NM_025136.4 (MANE Select); coding-DNA position 526, G replaced by A.
Protein change: p.Ala176Thr; replaces alanine 176 with threonine.
Molecular consequence: missense variant. On other transcripts: intron variant (1).
Genome position (GRCh38, 1-based): chr19:45,553,528, C>T on the plus strand (G>A on the coding strand, the complement: OPA3 is on the minus strand). VCF-style: chr19-45553528-C-T. GRCh37 (hg19) VCF-style: chr19-46056786-C-T.
Other names: c.526G>A (NM_025136.3); c.143-24072G>A (NM_001017989.3); short protein forms A176T.
Identifiers: ClinVar variation 1356040 (VCV001356040.9), dbSNP rs755841329, ClinGen allele CA9517375.